The following is an entry in ClinVar:

NM_000245.4(MET):c.2732G>T (p.Trp911Leu)

Gene: MET (MET proto-oncogene, receptor tyrosine kinase; plus strand). Cytogenetic location: 7q31.2.
Variant type: single nucleotide variant.
Coding change: c.2732G>T on transcript NM_000245.4 (MANE Select); coding-DNA position 2732, G replaced by T.
Protein change: p.Trp911Leu; replaces tryptophan 911 with leucine.
Molecular consequence: missense variant.
Genome position (GRCh38, 1-based): chr7:116,771,499, G>T. VCF-style: chr7-116771499-G-T. GRCh37 (hg19) VCF-style: chr7-116411553-G-T.
Other names: c.2786G>T, p.Trp929Leu (NM_001127500.3); c.1442G>T, p.Trp481Leu (NM_001324402.2); short protein forms W481L, W911L, W929L.
Identifiers: ClinVar variation 5024387 (VCV005024387.1).
Genomic context (GRCh38, chr7:116,771,499, plus strand): 5'-GTGTAGTACAAATATCTATCATGGCTAAATGCTGACTTTTCTTTATTTGTCATTTTTAGT[G>T]GAAGCAAGCAATTTCTTCAACCGTCCTTGGAAAAGTAATAGTTCAACCAGATCAGAATTT-3'
Protein context (NP_000236.2, residues 901-921): LKLNSELNIE[Trp911Leu]KQAISSTVLG

ClinVar aggregate classification (germline): Uncertain significance (1 of 4 stars; one submission).

Conditions:
Hereditary cancer-predisposing syndrome. Also called: Neoplastic Syndromes, Hereditary; Tumor predisposition; Hereditary neoplastic syndrome; Hereditary Cancer Syndrome. Identifiers: Orphanet 140162, MedGen C0027672, MeSH D009386, MONDO:0015356.

Submission:

Ambry Genetics
Classification: Uncertain significance for Hereditary cancer-predisposing syndrome. Last evaluated: 2026-07-07. Review status: criteria provided, single submitter. Criteria: Ambry Variant Classification Scheme 2023. Collection method: clinical testing. Allele origin: germline.
Comment: The p.W911L variant (also known as c.2732G>T), located in coding exon 12 of the MET gene, results from a G to T substitution at nucleotide position 2732. The tryptophan at codon 911 is replaced by leucine, an amino acid with similar properties. This amino acid position is conserved. In addition, the in silico prediction for this alteration is inconclusive. Based on the available evidence, the clinical significance of this variant remains unclear.